The following is an entry in ClinVar:

NM_002427.4(MMP13):c.415A>G (p.Lys139Glu)

Gene: MMP13 (matrix metallopeptidase 13; minus strand). Cytogenetic location: 11q22.2.
Variant type: single nucleotide variant.
Coding change: c.415A>G on transcript NM_002427.4 (MANE Select); coding-DNA position 415, A replaced by G.
Protein change: p.Lys139Glu; replaces lysine 139 with glutamic acid.
Molecular consequence: missense variant.
Genome position (GRCh38, 1-based): chr11:102,954,554, T>C on the plus strand (A>G on the coding strand, the complement: MMP13 is on the minus strand). VCF-style: chr11-102954554-T-C. GRCh37 (hg19) VCF-style: chr11-102825283-T-C.
Other names: short protein forms K139E.
Identifiers: ClinVar variation 2086781 (VCV002086781.4), dbSNP rs2496468062, ClinGen allele CA382231502.

ClinVar aggregate classification (germline): Uncertain significance (1 of 4 stars; one submission).

Allele frequency attached by ClinVar (database versions not stated): gnomAD exomes below 0.00001.
gnomAD v4.1: 1 of 1,613,636 alleles (0.000062%); highest among the groups gnomAD compares: Non-Finnish European, 0.000085%; no homozygotes.

Submission:

Labcorp Genetics (formerly Invitae), Labcorp
Classification: Uncertain significance. Last evaluated: 2022-10-05. Review status: criteria provided, single submitter. Criteria: Invitae Variant Classification Sherloc (09022015). Collection method: clinical testing. Allele origin: germline.
Comment: Advanced modeling of protein sequence and biophysical properties (such as structural, functional, and spatial information, amino acid conservation, physicochemical variation, residue mobility, and thermodynamic stability) performed at Invitae indicates that this missense variant is not expected to disrupt MMP13 protein function. This variant has not been reported in the literature in individuals affected with MMP13-related conditions. This variant is not present in population databases (gnomAD no frequency). This sequence change replaces lysine, which is basic and polar, with glutamic acid, which is acidic and polar, at codon 139 of the MMP13 protein (p.Lys139Glu). In summary, the available evidence is currently insufficient to determine the role of this variant in disease. Therefore, it has been classified as a Variant of Uncertain Significance.